The following is an entry in ClinVar:

ClinVar aggregate classification (germline): Pathogenic (1 of 4 stars; one submission).

Conditions:
Fabry disease. Also called: ALPHA-GALACTOSIDASE A DEFICIENCY; ANDERSON-FABRY DISEASE; CERAMIDE TRIHEXOSIDASE DEFICIENCY; GLA DEFICIENCY; HEREDITARY DYSTOPIC LIPIDOSIS; Angiokeratoma corporis diffusum. Identifiers: Orphanet 324, MedGen C0002986, MONDO:0010526, OMIM 301500, HP:0001071. Disease mechanism: Fabry disease is due to inactivating mutations in the X-linked GLA gene resulting in deficiency of the enzyme Alpha Galactosidase-A., loss of function.

Submission:

Genomenon, Inc
Classification: Pathogenic for Fabry disease. Last evaluated: 2026-09-08. Review status: criteria provided, single submitter. Criteria: Genomenon Sequence Variant Interpretation Standards - Updated. Collection method: curation. Allele origin: germline. Affected: yes.
Comment: GLA p.Val254GlyfsTer10 (c.761_762del) is a frameshift variant that is predicted to introduce a premature termination codon and result in a truncated or absent protein product. This variant has been observed in at least one proband with clinical features consistent with Fabry disease (PMID:20022777). It is absent or not present at a significant frequency in gnomAD. In conclusion, we classify GLA p.Val254GlyfsTer10 (c.761_762del) as a pathogenic variant.

Literature cited by the submitters: PubMed 20022777.

NM_000169.3(GLA):c.761_762del (p.Val254fs)

Genes: GLA (galactosidase alpha; minus strand), RPL36A-HNRNPH2 (RPL36A-HNRNPH2 readthrough; plus strand). Cytogenetic location: Xq22.1.
Variant type: Deletion.
Coding change: c.761_762del on transcript NM_000169.3 (MANE Select); coding-DNA positions 761 to 762, 2 bases deleted (TT; older notation c.761_762delTT).
Protein change: p.Val254fs; shifts the reading frame from valine 254.
Molecular consequence: frameshift variant. On other transcripts: non-coding transcript variant (3), intron variant (2).
Genome position (GRCh38, 1-based): chrX:101,398,824-101,398,825, AA deleted on the plus strand (TT on the coding strand, the reverse complement: GLA is on the minus strand). VCF-style (leftmost placement, unchanged base first): chrX-101398823-CAA-C. GRCh37 (hg19) VCF-style: chrX-100653811-CAA-C.
Other names: c.884_885del, p.Val295fs (NM_001406747.1); c.761_762del, p.Val254fs (NM_001406748.1); c.300+3367_300+3368del (NM_001199973.2); c.177+7002_177+7003del (NM_001199974.2); short protein forms V254fs, V295fs.
Identifiers: ClinVar variation 4087004 (VCV004087004.2).